The following is an entry in ClinVar:

NM_177438.3(DICER1):c.354T>C (p.Asp118=)

Gene: DICER1 (dicer 1, ribonuclease III; minus strand). Cytogenetic location: 14q32.13.
Variant type: single nucleotide variant.
Coding change: c.354T>C on transcript NM_177438.3 (MANE Select); coding-DNA position 354, T replaced by C.
Protein change: p.Asp118=; no amino-acid change (aspartic acid 118 retained).
Molecular consequence: synonymous variant.
Genome position (GRCh38, 1-based): chr14:95,131,593, A>G on the plus strand (T>C on the coding strand, the complement: DICER1 is on the minus strand). VCF-style: chr14-95131593-A-G. GRCh37 (hg19) VCF-style: chr14-95597930-A-G.
Other names: c.354T>C, p.Asp118= (NM_001195573.1, NM_001271282.3, NM_001291628.2 and 1 more transcripts).
Identifiers: ClinVar variation 315114 (VCV000315114.23), dbSNP rs538838304, ClinGen allele CA7331685.

ClinVar aggregate classification (germline): Benign/Likely benign. Review status: criteria provided, multiple submitters, no conflicts (2 of 4 stars). 6 submissions from 6 submitters: Benign (2); Likely benign (3). 1 of the submissions does not count toward it. Last evaluated 2026-08-18.

Conditions:
DICER1-related tumor predisposition. Also called: DICER1-related pleuropulmonary blastoma cancer predisposition syndrome; DICER1 syndrome. Identifiers: Orphanet 284343, MedGen C3839822, MONDO:0100216.
DICER1-related disorder. Also called: DICER1-related condition.
Hereditary cancer-predisposing syndrome. Also called: Tumor predisposition; Neoplastic Syndromes, Hereditary; Hereditary neoplastic syndrome; Hereditary Cancer Syndrome. Identifiers: Orphanet 140162, MedGen C0027672, MeSH D009386, MONDO:0015356.

Allele frequency attached by ClinVar (database versions not stated): TOPMed below 0.00001; gnomAD 0.00002 and below 0.00001; gnomAD exomes 0.00003 and 0.00007; 1000 Genomes Project 30x 0.00016; ExAC 0.00008; 1000 Genomes Project 0.00020.
gnomAD v4.1: 48 of 1,613,440 alleles (0.003%); highest among the groups gnomAD compares: South Asian, 0.052%; no homozygotes.

Submissions (6):

Myriad Genetics, Inc.
Classification: Benign for DICER1-related tumor predisposition. Last evaluated: 2026-08-18. Review status: criteria provided, single submitter. Criteria: Myriad Autosomal Dominant, Autosomal Recessive and X-Linked Classification Criteria (2023). Collection method: clinical testing. Allele origin: unknown.
Comment: This variant is considered benign. This variant is a silent/synonymous amino acid change and it is not expected to impact splicing.

Labcorp Genetics (formerly Invitae), Labcorp
Classification: Likely benign for DICER1-related tumor predisposition. Last evaluated: 2026-01-28. Review status: criteria provided, single submitter. Criteria: Invitae Variant Classification Sherloc (09022015). Collection method: clinical testing. Allele origin: germline.

Sema4
Classification: Likely benign for Hereditary cancer-predisposing syndrome. Last evaluated: 2021-01-11. Review status: criteria provided, single submitter. Criteria: Sema4 Curation Guidelines. Collection method: curation. Allele origin: germline.

Ambry Genetics
Classification: Likely benign for Hereditary cancer-predisposing syndrome. Last evaluated: 2018-03-23. Review status: criteria provided, single submitter. Criteria: Ambry Variant Classification Scheme 2023. Collection method: clinical testing. Allele origin: germline.

Illumina Laboratory Services, Illumina
Classification: Benign for Pleuropulmonary blastoma. Last evaluated: 2018-01-13. Review status: criteria provided, single submitter. Criteria: ICSL Variant Classification Criteria 13 December 2019. Collection method: clinical testing. Allele origin: germline.
Comment: This variant was observed in the ICSL laboratory as part of a predisposition screen in an ostensibly healthy population. It had not been previously curated by ICSL or reported in the Human Gene Mutation Database (HGMD: prior to June 1st, 2018), and was therefore a candidate for classification through an automated scoring system. Utilizing variant allele frequency, disease prevalence and penetrance estimates, and inheritance mode, an automated score was calculated to assess if this variant is too frequent to cause the disease. Based on the score and internal cut-off values, a variant classified as benign is not then subjected to further curation. The score for this variant resulted in a classification of benign for this disease.

PreventionGenetics, part of Exact Sciences
Classification: Likely benign for DICER1-related condition. Last evaluated: 2022-09-27. Review status: no assertion criteria provided. Collection method: clinical testing. Allele origin: germline. Not counted in ClinVar's aggregate classification.
Comment: This variant is classified as likely benign based on ACMG/AMP sequence variant interpretation guidelines (Richards et al. 2015 PMID: 25741868, with internal and published modifications).